The following is an entry in ClinVar:

ClinVar aggregate classification (germline): Uncertain significance (1 of 4 stars; one submission).

Conditions:
Charcot-Marie-Tooth disease type 4. Also called: Charcot-Marie-Tooth disease, type IV; Charcot-Marie-Tooth, Type 4. Identifiers: Orphanet 64749, MedGen C4082197, MONDO:0018995.

Allele frequency attached by ClinVar (database versions not stated): gnomAD exomes below 0.00001 and 0.00001; TOPMed below 0.00001; ExAC 0.00002; gnomAD 0.00002; 1000 Genomes Project 30x 0.00047; 1000 Genomes Project 0.00060.

Submission:

Labcorp Genetics (formerly Invitae), Labcorp
Classification: Uncertain significance for Charcot-Marie-Tooth disease type 4. Last evaluated: 2021-08-30. Review status: criteria provided, single submitter. Criteria: Invitae Variant Classification Sherloc (09022015). Collection method: clinical testing. Allele origin: germline.
Comment: This sequence change replaces glutamic acid with lysine at codon 1037 of the PRX protein (p.Glu1037Lys). The glutamic acid residue is weakly conserved and there is a small physicochemical difference between glutamic acid and lysine. This variant is present in population databases (rs571311308, ExAC 0.03%). This variant has not been reported in the literature in individuals affected with PRX-related conditions. Algorithms developed to predict the effect of missense changes on protein structure and function are either unavailable or do not agree on the potential impact of this missense change (SIFT: "Tolerated"; PolyPhen-2: "Possibly Damaging"; Align-GVGD: "Class C0"). In summary, the available evidence is currently insufficient to determine the role of this variant in disease. Therefore, it has been classified as a Variant of Uncertain Significance.

NM_181882.3(PRX):c.3109G>A (p.Glu1037Lys)

Gene: PRX (periaxin; minus strand). Cytogenetic location: 19q13.2.
Variant type: single nucleotide variant.
Coding change: c.3109G>A on transcript NM_181882.3 (MANE Select); coding-DNA position 3109, G replaced by A.
Protein change: p.Glu1037Lys; replaces glutamic acid 1037 with lysine.
Molecular consequence: missense variant. On other transcripts: 3 prime UTR variant (1).
Genome position (GRCh38, 1-based): chr19:40,395,243, C>T on the plus strand (G>A on the coding strand, the complement: PRX is on the minus strand). VCF-style: chr19-40395243-C-T. GRCh37 (hg19) VCF-style: chr19-40901150-C-T.
Other names: c.*3314G>A (NM_020956.2); short protein forms E1037K.
Identifiers: ClinVar variation 1016994 (VCV001016994.6), dbSNP rs571311308, ClinGen allele CA9443919.